The following is an entry in ClinVar:

NM_020549.5(CHAT):c.1414G>A (p.Asp472Asn)

Gene: CHAT (choline O-acetyltransferase; plus strand). Cytogenetic location: 10q11.23.
Variant type: single nucleotide variant.
Coding change: c.1414G>A on transcript NM_020549.5 (MANE Select); coding-DNA position 1414, G replaced by A.
Protein change: p.Asp472Asn; replaces aspartic acid 472 with asparagine.
Molecular consequence: missense variant.
Genome position (GRCh38, 1-based): chr10:49,649,539, G>A. VCF-style: chr10-49649539-G-A. GRCh37 (hg19) VCF-style: chr10-50857585-G-A.
Other names: c.1060G>A, p.Asp354Asn (NM_001142929.2, NM_001142934.2, NM_020984.4 and 2 more transcripts); c.1168G>A, p.Asp390Asn (NM_001142933.2); c.1414G>A (NM_020549.4); short protein forms D354N, D390N, D472N.
Identifiers: ClinVar variation 1415750 (VCV001415750.5), dbSNP rs2132811983, ClinGen allele CA376743352.

ClinVar aggregate classification (germline): Uncertain significance. Review status: criteria provided, multiple submitters, no conflicts (2 of 4 stars). 2 submissions from 2 submitters: Uncertain significance (2). Last evaluated 2022-03-08.

Conditions:
Familial infantile myasthenia (CMS6). Also called: MYASTHENIC SYNDROME, PRESYNAPTIC, CONGENITAL, ASSOCIATED WITH EPISODIC APNEA; MYASTHENIC SYNDROME, CONGENITAL, 6, PRESYNAPTIC; Congenital myasthenic syndrome type 6. Identifiers: Orphanet 590, MedGen C0393929, MONDO:0009689, OMIM 254210.

Allele frequency attached by ClinVar (database versions not stated): gnomAD exomes 0.00002.
gnomAD v4.1: 15 of 1,613,872 alleles (0.00093%); highest among the groups gnomAD compares: Non-Finnish European, 0.0013%; no homozygotes.

Submissions (2):

Labcorp Genetics (formerly Invitae), Labcorp
Classification: Uncertain significance for Familial infantile myasthenia. Last evaluated: 2022-03-08. Review status: criteria provided, single submitter. Criteria: Invitae Variant Classification Sherloc (09022015). Collection method: clinical testing. Allele origin: germline.
Comment: This sequence change replaces aspartic acid, which is acidic and polar, with asparagine, which is neutral and polar, at codon 472 of the CHAT protein (p.Asp472Asn). This variant is not present in population databases (gnomAD no frequency). This variant has not been reported in the literature in individuals affected with CHAT-related conditions. Advanced modeling of protein sequence and biophysical properties (such as structural, functional, and spatial information, amino acid conservation, physicochemical variation, residue mobility, and thermodynamic stability) performed at Invitae indicates that this missense variant is not expected to disrupt CHAT protein function. In summary, the available evidence is currently insufficient to determine the role of this variant in disease. Therefore, it has been classified as a Variant of Uncertain Significance.

Revvity Omics, Revvity
Classification: Uncertain significance for Familial infantile myasthenia. Last evaluated: 2019-09-25. Review status: criteria provided, single submitter. Criteria: ACMG Guidelines, 2015. Collection method: clinical testing. Allele origin: germline.